The following is an entry in ClinVar:

NM_001142864.4(PIEZO1):c.4475G>A (p.Gly1492Asp)

Gene: PIEZO1 (piezo type mechanosensitive ion channel component 1 (Er blood group); minus strand). Cytogenetic location: 16q24.3.
Variant type: single nucleotide variant.
Coding change: c.4475G>A on transcript NM_001142864.4 (MANE Select); coding-DNA position 4475, G replaced by A.
Protein change: p.Gly1492Asp; replaces glycine 1492 with aspartic acid.
Molecular consequence: missense variant.
Genome position (GRCh38, 1-based): chr16:88,723,115, C>T on the plus strand (G>A on the coding strand, the complement: PIEZO1 is on the minus strand). VCF-style: chr16-88723115-C-T. GRCh37 (hg19) VCF-style: chr16-88789523-C-T.
Other names: p.Gly1492Asp; short protein forms G1492D.
Identifiers: ClinVar variation 777077 (VCV000777077.16), dbSNP rs8051003, ClinGen allele CA8232135.

ClinVar aggregate classification (germline): Benign/Likely benign. Review status: criteria provided, multiple submitters, no conflicts (2 of 4 stars). 4 submissions from 4 submitters: Benign (3); Likely benign (1). Last evaluated 2026-01-14.

Allele frequency attached by ClinVar (database versions not stated): gnomAD exomes 0.00228; ExAC 0.00467; gnomAD 0.01061 and 0.01135; ESP Exome Variant Server 0.01143; 1000 Genomes Project 0.01178; 1000 Genomes Project 30x 0.01249; TOPMed 0.01279.
gnomAD v4.1: 3,288 of 1,548,668 alleles (0.21%); highest among the groups gnomAD compares: African/African-American, 3.8%; 66 homozygotes.

Submissions (4):

Labcorp Genetics (formerly Invitae), Labcorp
Classification: Benign. Last evaluated: 2026-01-14. Review status: criteria provided, single submitter. Criteria: Invitae Variant Classification Sherloc (09022015). Collection method: clinical testing. Allele origin: germline.

Mayo Clinic Laboratories, Mayo Clinic
Classification: Likely benign. Last evaluated: 2025-11-24. Review status: criteria provided, single submitter. Criteria: ACMG Guidelines, 2015. Collection method: clinical testing. Allele origin: germline. Observed: 30 variant alleles.
Comment: BS2, BP4_strong

ARUP Laboratories, Molecular Genetics and Genomics, ARUP Laboratories
Classification: Benign. Last evaluated: 2025-06-19. Review status: criteria provided, single submitter. Criteria: ARUP Molecular Germline Variant Investigation Process 2024. Collection method: clinical testing. Allele origin: germline.

Breakthrough Genomics
Classification: Benign. Review status: criteria provided, single submitter. Criteria: ACMG Guidelines, 2015. Collection method: not provided. Allele origin: germline. Inheritance: Autosomal recessive inheritance. Affected: yes.